The following is an entry in ClinVar:

Conditions:
Long QT syndrome 5 (LQT5). Identifiers: Orphanet 101016, Orphanet 768, MedGen C1867904, MONDO:0013372, OMIM 613695.

Submission:

Roden Lab, Vanderbilt University Medical Center
No classification provided (evidence only). Condition: Long QT syndrome 5. Review status: no classification provided. Collection method: in vitro. Allele origin: not applicable. Functional consequence: Effect on ion channel function.
ClinVar note: "not provided" was previously submitted as the classification for the variant. However, the classification appeared to be based only on an observation of functional data so it was converted to no classification on 2025-07-30.

NM_000219.6(KCNE1):c.46C>T (p.Leu16=)

Gene: KCNE1 (potassium voltage-gated channel subfamily E regulatory subunit 1; minus strand). Cytogenetic location: 21q22.12.
Variant type: single nucleotide variant.
Coding change: c.46C>T on transcript NM_000219.6 (MANE Select); coding-DNA position 46, C replaced by T.
Protein change: p.Leu16=; no amino-acid change (leucine 16 retained).
Molecular consequence: synonymous variant.
Genome position (GRCh38, 1-based): chr21:34,449,589, G>A on the plus strand (C>T on the coding strand, the complement: KCNE1 is on the minus strand). VCF-style: chr21-34449589-G-A. GRCh37 (hg19) VCF-style: chr21-35821887-G-A.
Other names: c.46C>T, p.Leu16= (NM_001127668.4, NM_001127669.4, NM_001127670.4 and 4 more transcripts).
Identifiers: ClinVar variation 3373900 (VCV003373900.2).